The following is an entry in ClinVar:

ClinVar aggregate classification (germline): Likely benign (1 of 4 stars; one submission).

Submission:

CeGaT Center for Human Genetics Tuebingen
Classification: Likely benign. Last evaluated: 2022-10-01. Review status: criteria provided, single submitter. Criteria: CeGaT Center For Human Genetics Tuebingen Variant Classification Criteria Version 2. Collection method: clinical testing. Allele origin: germline. Affected: yes. Observed: 1 variant allele.
Comment: CACNA1G: PM2:Supporting, BP4, BP7

NM_018896.5(CACNA1G):c.442C>T (p.Leu148=)

Gene: CACNA1G (calcium voltage-gated channel subunit alpha1 G; plus strand). Cytogenetic location: 17q21.33.
Variant type: single nucleotide variant.
Coding change: c.442C>T on transcript NM_018896.5 (MANE Select); coding-DNA position 442, C replaced by T.
Protein change: p.Leu148=; no amino-acid change (leucine 148 retained).
Molecular consequence: synonymous variant. On other transcripts: non-coding transcript variant (5).
Genome position (GRCh38, 1-based): chr17:50,569,252, C>T. VCF-style: chr17-50569252-C-T. GRCh37 (hg19) VCF-style: chr17-48646613-C-T.
Other names: c.442C>T, p.Leu148= (NM_001256324.2, NM_001256325.2, NM_001256326.2 and 24 more transcripts).
Identifiers: ClinVar variation 2647896 (VCV002647896.24), dbSNP rs2544697474, ClinGen allele CA500865067.